The following is an entry in ClinVar:

NM_145239.3(PRRT2):c.595G>C (p.Glu199Gln)

Genes: MVP-DT (MVP divergent transcript; minus strand), PRRT2 (proline rich transmembrane protein 2; plus strand). Cytogenetic location: 16p11.2.
Variant type: single nucleotide variant.
Coding change: c.595G>C on transcript NM_145239.3 (MANE Select); coding-DNA position 595, G replaced by C.
Protein change: p.Glu199Gln; replaces glutamic acid 199 with glutamine.
Molecular consequence: missense variant.
Genome position (GRCh38, 1-based): chr16:29,813,649, G>C. VCF-style: chr16-29813649-G-C. GRCh37 (hg19) VCF-style: chr16-29824970-G-C.
Other names: c.595G>C, p.Glu199Gln (NM_001256442.2, NM_001256443.2, NM_001438120.1 and 2 more transcripts); short protein forms E199Q.
Identifiers: ClinVar variation 4802984 (VCV004802984.1).

ClinVar aggregate classification (germline): Uncertain significance (1 of 4 stars; one submission).

Conditions:
Episodic kinesigenic dyskinesia (EKD). Also called: Paroxysmal kinesigenic dyskinesia. Identifiers: Orphanet 98809, MedGen C1868682, MONDO:0044202.

Submission:

Labcorp Genetics (formerly Invitae), Labcorp
Classification: Uncertain significance for Episodic kinesigenic dyskinesia. Last evaluated: 2025-07-14. Review status: criteria provided, single submitter. Criteria: Invitae Variant Classification Sherloc (09022015). Collection method: clinical testing. Allele origin: germline.
Comment: This sequence change replaces glutamic acid, which is acidic and polar, with glutamine, which is neutral and polar, at codon 199 of the PRRT2 protein (p.Glu199Gln). This variant is not present in population databases (gnomAD no frequency). This variant has not been reported in the literature in individuals affected with PRRT2-related conditions. Invitae Evidence Modeling of protein sequence and biophysical properties (such as structural, functional, and spatial information, amino acid conservation, physicochemical variation, residue mobility, and thermodynamic stability) indicates that this missense variant is not expected to disrupt PRRT2 protein function with a negative predictive value of 95%. In summary, the available evidence is currently insufficient to determine the role of this variant in disease. Therefore, it has been classified as a Variant of Uncertain Significance.